The following is an entry in ClinVar:

ClinVar aggregate classification (germline): Benign/Likely benign. Review status: criteria provided, multiple submitters, no conflicts (2 of 4 stars). 7 submissions from 7 submitters: Benign (2); Likely benign (5). Last evaluated 2026-08-01.

Conditions:
Interstitial lung disease due to ABCA3 deficiency. Also called: PULMONARY ALVEOLAR PROTEINOSIS, CONGENITAL, 3. Identifiers: Orphanet 440402, MedGen C1970456, MONDO:0012582, OMIM 610921.
Hereditary pulmonary alveolar proteinosis. Also called: Pulmonary surfactant metabolism dysfunction. Identifiers: Orphanet 264675, MedGen C3711368, MONDO:0012580.

Allele frequency attached by ClinVar (database versions not stated): gnomAD exomes 0.00038 and 0.00100; ExAC 0.00119; gnomAD 0.00371 and 0.00403; TOPMed 0.00419; ESP Exome Variant Server 0.00454; 1000 Genomes Project 0.00579; 1000 Genomes Project 30x 0.00593.
gnomAD v4.1: 1,139 of 1,614,100 alleles (0.071%); highest among the groups gnomAD compares: African/African-American, 1.3%; 7 homozygotes.

Submissions (7):

CeGaT Center for Human Genetics Tuebingen
Classification: Likely benign. Last evaluated: 2026-08-01. Review status: criteria provided, single submitter. Criteria: CeGaT Center For Human Genetics Tuebingen Variant Classification Criteria Version 2. Collection method: clinical testing. Allele origin: germline. Affected: yes. Observed: 2 variant alleles.
Comment: ABCA3: BP4, BP7, BS1

Labcorp Genetics (formerly Invitae), Labcorp
Classification: Benign. Last evaluated: 2026-01-31. Review status: criteria provided, single submitter. Criteria: Invitae Variant Classification Sherloc (09022015). Collection method: clinical testing. Allele origin: germline.

Blueprint Genetics
Classification: Likely benign. Last evaluated: 2024-03-11. Review status: criteria provided, single submitter. Criteria: ACMG Guidelines, 2015. Collection method: clinical testing. Allele origin: germline.

Ambry Genetics
Classification: Likely benign for Hereditary pulmonary alveolar proteinosis. Last evaluated: 2022-08-16. Review status: criteria provided, single submitter. Criteria: Ambry Variant Classification Scheme 2023. Collection method: clinical testing. Allele origin: germline.

Johns Hopkins Genomics, Johns Hopkins University
Classification: Likely benign for Interstitial lung disease due to ABCA3 deficiency. Last evaluated: 2020-01-27. Review status: criteria provided, single submitter. Criteria: ACMG Guidelines, 2015. Collection method: clinical testing. Allele origin: germline.

Illumina Laboratory Services, Illumina
Classification: Benign for Interstitial lung disease due to ABCA3 deficiency. Last evaluated: 2018-01-13. Review status: criteria provided, single submitter. Criteria: ICSL Variant Classification Criteria 13 December 2019. Collection method: clinical testing. Allele origin: germline.
Comment: This variant was observed in the ICSL laboratory as part of a predisposition screen in an ostensibly healthy population. It had not been previously curated by ICSL or reported in the Human Gene Mutation Database (HGMD: prior to June 1st, 2018), and was therefore a candidate for classification through an automated scoring system. Utilizing variant allele frequency, disease prevalence and penetrance estimates, and inheritance mode, an automated score was calculated to assess if this variant is too frequent to cause the disease. Based on the score and internal cut-off values, a variant classified as benign is not then subjected to further curation. The score for this variant resulted in a classification of benign for this disease.

Breakthrough Genomics
Classification: Likely benign. Review status: criteria provided, single submitter. Criteria: ACMG Guidelines, 2015. Collection method: not provided. Allele origin: germline. Inheritance: Autosomal recessive inheritance. Affected: yes.

NM_001089.3(ABCA3):c.1869C>T (p.Val623=)

Gene: ABCA3 (ATP binding cassette subfamily A member 3; minus strand). Cytogenetic location: 16p13.3.
Variant type: single nucleotide variant.
Coding change: c.1869C>T on transcript NM_001089.3 (MANE Select); coding-DNA position 1869, C replaced by T.
Protein change: p.Val623=; no amino-acid change (valine 623 retained).
Molecular consequence: synonymous variant.
Genome position (GRCh38, 1-based): chr16:2,298,413, G>A on the plus strand (C>T on the coding strand, the complement: ABCA3 is on the minus strand). VCF-style: chr16-2298413-G-A. GRCh37 (hg19) VCF-style: chr16-2348414-G-A.
Identifiers: ClinVar variation 318502 (VCV000318502.21), dbSNP rs145502164, ClinGen allele CA7841065.